The following is an entry in ClinVar:

ClinVar aggregate classification (germline): Uncertain significance (1 of 4 stars; one submission).

Conditions:
Cortical dysplasia-focal epilepsy syndrome (PTHSL1). Also called: Pitt-Hopkins-like syndrome 1. Identifiers: Orphanet 163681, Orphanet 221150, MedGen C2750246, MONDO:0012400, OMIM 610042.

Allele frequency attached by ClinVar (database versions not stated): gnomAD exomes below 0.00001; gnomAD 0.00001.
gnomAD v4.1: 6 of 1,612,342 alleles (0.00037%); highest among the groups gnomAD compares: Non-Finnish European, 0.00051%; no homozygotes.

Submission:

Labcorp Genetics (formerly Invitae), Labcorp
Classification: Uncertain significance for Cortical dysplasia-focal epilepsy syndrome. Last evaluated: 2022-08-16. Review status: criteria provided, single submitter. Criteria: Invitae Variant Classification Sherloc (09022015). Collection method: clinical testing. Allele origin: germline.
Comment: Algorithms developed to predict the effect of missense changes on protein structure and function are either unavailable or do not agree on the potential impact of this missense change (SIFT: "Deleterious"; PolyPhen-2: "Benign"; Align-GVGD: "Class C0"). ClinVar contains an entry for this variant (Variation ID: 1052588). This variant has not been reported in the literature in individuals affected with CNTNAP2-related conditions. This variant is present in population databases (rs140699088, gnomAD 0.0009%). This sequence change replaces serine, which is neutral and polar, with cysteine, which is neutral and slightly polar, at codon 548 of the CNTNAP2 protein (p.Ser548Cys). In summary, the available evidence is currently insufficient to determine the role of this variant in disease. Therefore, it has been classified as a Variant of Uncertain Significance.

NM_014141.6(CNTNAP2):c.1642A>T (p.Ser548Cys)

Gene: CNTNAP2 (contactin associated protein 2; plus strand). Cytogenetic location: 7q35.
Variant type: single nucleotide variant.
Coding change: c.1642A>T on transcript NM_014141.6 (MANE Select); coding-DNA position 1642, A replaced by T.
Protein change: p.Ser548Cys; replaces serine 548 with cysteine.
Molecular consequence: missense variant.
Genome position (GRCh38, 1-based): chr7:147,395,752, A>T. VCF-style: chr7-147395752-A-T. GRCh37 (hg19) VCF-style: chr7-147092844-A-T.
Other names: short protein forms S548C.
Identifiers: ClinVar variation 1052588 (VCV001052588.7), dbSNP rs140699088, ClinGen allele CA4546134.